The following is an entry in ClinVar:

ClinVar aggregate classification (germline): Uncertain significance (1 of 4 stars; one submission).

Conditions:
Renal hypomagnesemia 6. Identifiers: Orphanet 34527, MedGen C3151295, MONDO:0013480, OMIM 613882.

Submission:

Centre for Mendelian Genomics, University Medical Centre Ljubljana
Classification: Uncertain significance for Renal hypomagnesemia 6. Last evaluated: 2019-05-09. Review status: criteria provided, single submitter. Criteria: ACMG Guidelines, 2015. Collection method: clinical testing. Allele origin: unknown. Affected: yes.
Comment: This variant was classified as: Uncertain significance. The available evidence favors the benign nature of this variant, however the evidence is insufficent to prove its benign nature. The following ACMG criteria were applied in classifying this variant: PM2,BP4.

NM_017649.5(CNNM2):c.1621+21dup

Gene: CNNM2 (cyclin and CBS domain divalent metal cation transport mediator 2; plus strand). Cytogenetic location: 10q24.32.
Variant type: Duplication.
Coding change: c.1621+21dup on transcript NM_017649.5 (MANE Select); 21 bases into the intron after coding-DNA position 1621, one base duplicated (T; older notation c.1621+21dupT).
Molecular consequence: intron variant.
Genome position (GRCh38, 1-based): chr10:102,920,122, T duplicated; the last of 3 consecutive T bases (chr10:102,920,120-102,920,122); duplicating any one gives the same sequence. VCF-style (leftmost placement, unchanged base first): chr10-102920119-C-CT. GRCh37 (hg19) VCF-style: chr10-104679876-C-CT.
Other names: c.1621+21dup (NM_199076.3, NM_199077.3).
Identifiers: ClinVar variation 931077 (VCV000931077.3), dbSNP rs1845563839, ClinGen allele CA1139661673.